The following is an entry in ClinVar:

ClinVar aggregate classification (germline): Likely benign. Review status: criteria provided, multiple submitters, no conflicts (2 of 4 stars). 2 submissions from 2 submitters: Likely benign (2). Last evaluated 2025-06-24.

Conditions:
Hereditary cancer-predisposing syndrome. Also called: Hereditary Cancer Syndrome; Hereditary neoplastic syndrome; Neoplastic Syndromes, Hereditary; Tumor predisposition. Identifiers: Orphanet 140162, MedGen C0027672, MeSH D009386, MONDO:0015356.

Submissions (2):

Ambry Genetics
Classification: Likely benign for Hereditary cancer-predisposing syndrome. Last evaluated: 2025-06-24. Review status: criteria provided, single submitter. Criteria: Ambry Variant Classification Scheme 2023. Collection method: clinical testing. Allele origin: germline.

GeneDx
Classification: Likely benign. Last evaluated: 2016-10-18. Review status: criteria provided, single submitter. Criteria: GeneDx Variant Classification (06012015). Collection method: clinical testing. Allele origin: germline. Affected: yes.
Comment: This variant is considered likely benign or benign based on one or more of the following criteria: it is a conservative change, it occurs at a poorly conserved position in the protein, it is predicted to be benign by multiple in silico algorithms, and/or has population frequency not consistent with disease.

NM_000059.4(BRCA2):c.8388T>C (p.Pro2796=)

Gene: BRCA2 (BRCA2 DNA repair associated; plus strand). Cytogenetic location: 13q13.1.
Variant type: single nucleotide variant.
Coding change: c.8388T>C on transcript NM_000059.4 (MANE Select); coding-DNA position 8388, T replaced by C.
Protein change: p.Pro2796=; no amino-acid change (proline 2796 retained).
Molecular consequence: synonymous variant.
Genome position (GRCh38, 1-based): chr13:32,370,458, T>C. VCF-style: chr13-32370458-T-C. GRCh37 (hg19) VCF-style: chr13-32944595-T-C.
Identifiers: ClinVar variation 390271 (VCV000390271.2), dbSNP rs1057523705, ClinGen allele CA16607495.